The following is an entry in ClinVar:

NM_003742.4(ABCB11):c.-28+4517G>A

Gene: ABCB11 (ATP binding cassette subfamily B member 11; minus strand). Cytogenetic location: 2q31.1.
Variant type: single nucleotide variant.
Coding change: c.-28+4517G>A on transcript NM_003742.4 (MANE Select); 4517 bases into the intron after 28 bases upstream of the start codon, G replaced by A.
Molecular consequence: intron variant.
Genome position (GRCh38, 1-based): chr2:169,026,708, C>T on the plus strand (G>A on the coding strand, the complement: ABCB11 is on the minus strand). VCF-style: chr2-169026708-C-T. GRCh37 (hg19) VCF-style: chr2-169883218-C-T.
Identifiers: ClinVar variation 4846682 (VCV004846682.1).

ClinVar aggregate classification (germline): Benign (1 of 4 stars; one submission).

Conditions:
Familial intrahepatic cholestasis. Identifiers: Orphanet 284385, MedGen CN296401, MONDO:0017290.

gnomAD v4.1: 16,212 of 151,984 alleles (11%); highest among the groups gnomAD compares: East Asian, 21%; 936 homozygotes.

Submission:

Genomenon, Inc
Classification: Benign for Familial intrahepatic cholestasis. Last evaluated: 2026-04-14. Review status: criteria provided, single submitter. Criteria: Genomenon Sequence Variant Interpretation Standards - Updated. Collection method: curation. Allele origin: germline. Affected: no.
Comment: ABCB11 c.-28+4517G>A is a deep intronic variant located in the 5′ untranslated region (5′ UTR). This variant is present at high allele frequency in population databases. In conclusion, we classify ABCB11 c.-28+4517G>A as a benign variant.